The following is an entry in ClinVar:

ClinVar aggregate classification (germline): Likely benign. Review status: criteria provided, multiple submitters, no conflicts (2 of 4 stars). 2 submissions from 2 submitters: Likely benign (2). Last evaluated 2023-03-01.

Allele frequency attached by ClinVar (database versions not stated): gnomAD exomes 0.00017; TOPMed 0.00017; ESP Exome Variant Server 0.00019; gnomAD 0.00020; ExAC 0.00044.
gnomAD v4.1: 217 of 1,207,813 alleles (0.018%); highest among the groups gnomAD compares: Middle Eastern, 0.046%; no homozygotes.

Submissions (2):

CeGaT Center for Human Genetics Tuebingen
Classification: Likely benign. Last evaluated: 2023-03-01. Review status: criteria provided, single submitter. Criteria: CeGaT Center For Human Genetics Tuebingen Variant Classification Criteria Version 2. Collection method: clinical testing. Allele origin: germline. Affected: yes. Observed: 1 variant allele.
Comment: DCAF8L1: BP4, BS2

Ambry Genetics
Classification: Likely benign. Last evaluated: 2023-02-14. Review status: criteria provided, single submitter. Criteria: Ambry Variant Classification Scheme 2023. Collection method: clinical testing. Allele origin: germline.

NM_001017930.2(DCAF8L1):c.559C>T (p.Arg187Cys)

Gene: DCAF8L1 (DDB1 and CUL4 associated factor 8 like 1; minus strand). Cytogenetic location: Xp21.3.
Variant type: single nucleotide variant.
Coding change: c.559C>T on transcript NM_001017930.2 (MANE Select); coding-DNA position 559, C replaced by T.
Protein change: p.Arg187Cys; replaces arginine 187 with cysteine.
Molecular consequence: missense variant.
Genome position (GRCh38, 1-based): chrX:27,980,776, G>A on the plus strand (C>T on the coding strand, the complement: DCAF8L1 is on the minus strand). VCF-style: chrX-27980776-G-A. GRCh37 (hg19) VCF-style: chrX-27998893-G-A.
Other names: short protein forms R187C.
Identifiers: ClinVar variation 2459331 (VCV002459331.26), dbSNP rs200108741, ClinGen allele CA10375199.